The following is an entry in ClinVar:

NM_001204.7(BMPR2):c.1028dup (p.Asn343fs)

Gene: BMPR2 (bone morphogenetic protein receptor type 2; plus strand). Cytogenetic location: 2q33.2.
Variant type: Duplication.
Coding change: c.1028dup on transcript NM_001204.7 (MANE Select); coding-DNA position 1028, one base duplicated (A; older notation c.1028dupA).
Protein change: p.Asn343fs; shifts the reading frame from asparagine 343.
Molecular consequence: frameshift variant.
Genome position (GRCh38, 1-based): chr2:202,530,854, A duplicated; the last of 5 consecutive A bases (chr2:202,530,850-202,530,854); duplicating any one gives the same sequence. VCF-style (leftmost placement, unchanged base first): chr2-202530849-G-GA. GRCh37 (hg19) VCF-style: chr2-203395572-G-GA.
Other names: short protein forms N343fs.
Identifiers: ClinVar variation 1459305 (VCV001459305.6), dbSNP rs1688010642, ClinGen allele CA645532633.

ClinVar aggregate classification (germline): Pathogenic (1 of 4 stars; one submission).

Conditions:
Primary pulmonary hypertension. Also called: Idiopathic pulmonary hypertension. Identifiers: MedGen C0152171.

Submission:

Labcorp Genetics (formerly Invitae), Labcorp
Classification: Pathogenic for Primary pulmonary hypertension. Last evaluated: 2024-08-06. Review status: criteria provided, single submitter. Criteria: Invitae Variant Classification Sherloc (09022015). Collection method: clinical testing. Allele origin: germline.
Comment: This sequence change creates a premature translational stop signal (p.Asn343Lysfs*2) in the BMPR2 gene. It is expected to result in an absent or disrupted protein product. Loss-of-function variants in BMPR2 are known to be pathogenic (PMID: 16429395). This variant is not present in population databases (gnomAD no frequency). This variant has not been reported in the literature in individuals affected with BMPR2-related conditions. ClinVar contains an entry for this variant (Variation ID: 1459305). Algorithms developed to predict the effect of sequence changes on RNA splicing suggest that this variant may disrupt the consensus splice site. For these reasons, this variant has been classified as Pathogenic.

Literature cited by the submitters: PubMed 16429395.